The following is an entry in ClinVar:

NM_006445.4(PRPF8):c.4437C>T (p.Gly1479=)

Gene: PRPF8 (pre-mRNA processing factor 8; minus strand). Cytogenetic location: 17p13.3.
Variant type: single nucleotide variant.
Coding change: c.4437C>T on transcript NM_006445.4 (MANE Select); coding-DNA position 4437, C replaced by T.
Protein change: p.Gly1479=; no amino-acid change (glycine 1479 retained).
Molecular consequence: synonymous variant.
Genome position (GRCh38, 1-based): chr17:1,661,064, G>A on the plus strand (C>T on the coding strand, the complement: PRPF8 is on the minus strand). VCF-style: chr17-1661064-G-A. GRCh37 (hg19) VCF-style: chr17-1564358-G-A.
Other names: c.4437C>T (NM_006445.3).
Identifiers: ClinVar variation 1098095 (VCV001098095.8), dbSNP rs187811139, ClinGen allele CA8271663.

ClinVar aggregate classification (germline): Likely benign. Review status: criteria provided, multiple submitters, no conflicts (2 of 4 stars). 2 submissions from 2 submitters: Likely benign (2). Last evaluated 2025-08-18.

Conditions:
PRPF8-related disorder. Also called: PRPF8-related condition.

Allele frequency attached by ClinVar (database versions not stated): gnomAD 0.00001; gnomAD exomes 0.00001 and 0.00003; TOPMed 0.00001; ExAC 0.00002; 1000 Genomes Project 0.00020; 1000 Genomes Project 30x 0.00031.
gnomAD v4.1: 16 of 1,614,080 alleles (0.00099%); highest among the groups gnomAD compares: East Asian, 0.011%; no homozygotes.

Submissions (2):

Labcorp Genetics (formerly Invitae), Labcorp
Classification: Likely benign. Last evaluated: 2025-08-18. Review status: criteria provided, single submitter. Criteria: Invitae Variant Classification Sherloc (09022015). Collection method: clinical testing. Allele origin: germline.

PreventionGenetics, part of Exact Sciences
Classification: Likely benign for PRPF8-related condition. Last evaluated: 2025-06-16. Review status: criteria provided, single submitter. Criteria: ACMG Guidelines, 2015. Collection method: clinical testing. Allele origin: germline.
Comment: This variant is classified as likely benign based on ACMG/AMP sequence variant interpretation guidelines (Richards et al. 2015 PMID: 25741868, with internal and published modifications).